The following is an entry in ClinVar:

ClinVar aggregate classification (germline): Uncertain significance. Review status: criteria provided, single submitter (1 of 4 stars). 2 submissions from 2 submitters: Uncertain significance (1). 1 of the submissions does not count toward it. Last evaluated 2026-03-01.

Conditions:
PROK2-related disorder. Also called: PROK2-related condition.

Allele frequency attached by ClinVar (database versions not stated): ExAC 0.00518; 1000 Genomes Project 30x 0.00094; ESP Exome Variant Server 0.00026; gnomAD 0.00095; TOPMed 0.00114.
gnomAD v4.1: 254 of 1,237,314 alleles (0.021%); highest among the groups gnomAD compares: African/African-American, 0.37%; no homozygotes.

Submissions (2):

GeneDx
Classification: Uncertain significance. Last evaluated: 2026-03-01. Review status: criteria provided, single submitter. Criteria: GeneDx Variant Classification Process June 2021. Collection method: clinical testing. Allele origin: germline.
Comment: Nucleotide is not conserved across species and the substitution has no predicted effect on splicing; Has not been previously published as pathogenic or benign to our knowledge; Located in a regulatory region; in the absence of functional studies, the actual effect of this sequence change is unknown

PreventionGenetics, part of Exact Sciences
Classification: Likely benign for PROK2-related condition. Last evaluated: 2021-11-17. Review status: no assertion criteria provided. Collection method: clinical testing. Allele origin: germline. Not counted in ClinVar's aggregate classification.
Comment: This variant is classified as likely benign based on ACMG/AMP sequence variant interpretation guidelines (Richards et al. 2015 PMID: 25741868, with internal and published modifications).

NM_001126128.2(PROK2):c.-5G>A

Gene: PROK2 (prokineticin 2; minus strand). Cytogenetic location: 3p13.
Variant type: single nucleotide variant.
Coding change: c.-5G>A on transcript NM_001126128.2 (MANE Select); 5 bases upstream of the start codon, G replaced by A.
Molecular consequence: 5 prime UTR variant.
Genome position (GRCh38, 1-based): chr3:71,785,057, C>T on the plus strand (G>A on the coding strand, the complement: PROK2 is on the minus strand). VCF-style: chr3-71785057-C-T. GRCh37 (hg19) VCF-style: chr3-71834208-C-T.
Other names: c.-5G>A (NM_021935.4).
Identifiers: ClinVar variation 3044244 (VCV003044244.3), dbSNP rs371540146, ClinGen allele CA2492029.
Genomic context (GRCh38, chr3:71,785,057, plus strand): 5'-AGCAGCGGCGGCAGCAGCAAGAGGAGCAGGAGTGGGGCGCAGCACAGGCTCCTCATGGCG[C>T]CCTCGGGACTGGGCGGCCGCCGGAGGCAGTTGGGGGCGCGGGGCCCGGGTGCGCTGGGTG-3'